The following is an entry in ClinVar:

ClinVar aggregate classification (germline): Likely pathogenic (1 of 4 stars; one submission).

Submission:

GeneDx
Classification: Likely pathogenic. Last evaluated: 2016-07-11. Review status: criteria provided, single submitter. Criteria: GeneDx Variant Classification (06012015). Collection method: clinical testing. Allele origin: germline. Affected: yes.
Comment: The c.2213_2218delCAATGAinsAGAG variant in the DYRK1A gene has not been reported previously as a pathogenic variant nor as a benign variant, to our knowledge. This variant causes a frameshift starting with codon Threonine 738, changes this amino acid to a Lysine residue, and creates a premature Stop codon at position 6 of the new reading frame, denoted p.Thr738LysfsX6. The c.2213_2218delCAATGAinsAGAG variant is predicted to cause loss of normal protein function through protein truncation, as the last 26 amino acids of the protein are replaced with 5 incorrect amino acids. This variant was not observed in approximately 6500 individuals of European and African American ancestry in the NHLBI Exome Sequencing Project, indicating it is not a common benign variant in these populations. The c.2213_2218delCAATGAinsAGAG variant is a strong candidate for a pathogenic variant.

NM_001347721.2(DYRK1A):c.2186_2191delinsAGAG (p.Thr729fs)

Gene: DYRK1A (dual specificity tyrosine phosphorylation regulated kinase 1A; plus strand). Cytogenetic location: 21q22.13.
Variant type: Indel.
Coding change: c.2186_2191delinsAGAG on transcript NM_001347721.2 (MANE Select); coding-DNA positions 2186 to 2191, CAATGA replaced by AGAG.
Protein change: p.Thr729fs; shifts the reading frame from threonine 729.
Molecular consequence: frameshift variant. On other transcripts: 3 prime UTR variant (2).
Genome position (GRCh38, 1-based): chr21:37,512,452-37,512,457, CAATGA replaced by AGAG. VCF-style: chr21-37512452-CAATGA-AGAG. GRCh37 (hg19) VCF-style: chr21-38884755-CAATGA-AGAG.
Other names: c.2186_2191delinsAGAG, p.Thr729fs (NM_001347722.2, NM_130436.2); c.2099_2104delinsAGAG, p.Thr700fs (NM_001347723.2); c.2213_2218delinsAGAG, p.Thr738fs (NM_001396.5); c.*589_*594delinsAGAG (NM_101395.2); c.*498_*503delinsAGAG (NM_130438.2); short protein forms T729fs, T700fs, T738fs.
Identifiers: ClinVar variation 421699 (VCV000421699.2), dbSNP rs1064795305, ClinGen allele CA16621008.